The following is an entry in ClinVar:

ClinVar aggregate classification (germline): Benign/Likely benign. Review status: criteria provided, multiple submitters, no conflicts (2 of 4 stars). 3 submissions from 3 submitters: Benign (2); Likely benign (1). Last evaluated 2022-12-01.

Allele frequency attached by ClinVar (database versions not stated): 1000 Genomes Project 0.00300; 1000 Genomes Project 30x 0.00328; gnomAD 0.00586 and 0.00595; TOPMed 0.00637; gnomAD exomes 0.00655 and 0.00916; ExAC 0.00709; ESP Exome Variant Server 0.00777.
gnomAD v4.1: 14,300 of 1,613,958 alleles (0.89%); highest among the groups gnomAD compares: Middle Eastern, 1.3%; 79 homozygotes.

Submissions (3):

CeGaT Center for Human Genetics Tuebingen
Classification: Likely benign. Last evaluated: 2022-12-01. Review status: criteria provided, single submitter. Criteria: CeGaT Center For Human Genetics Tuebingen Variant Classification Criteria Version 2. Collection method: clinical testing. Allele origin: germline. Affected: yes. Observed: 1 variant allele.
Comment: ATG4D: BP4, BP7, BS2

Labcorp Genetics (formerly Invitae), Labcorp
Classification: Benign. Last evaluated: 2018-03-29. Review status: criteria provided, single submitter. Criteria: Invitae Variant Classification Sherloc (09022015). Collection method: clinical testing. Allele origin: germline.

Breakthrough Genomics
Classification: Benign. Review status: criteria provided, single submitter. Criteria: ACMG Guidelines, 2015. Collection method: not provided. Allele origin: germline. Inheritance: Unknown mechanism. Affected: yes.

NM_032885.6(ATG4D):c.777C>T (p.Ala259=)

Gene: ATG4D (autophagy related 4D cysteine peptidase; plus strand). Cytogenetic location: 19p13.2.
Variant type: single nucleotide variant.
Coding change: c.777C>T on transcript NM_032885.6 (MANE Select); coding-DNA position 777, C replaced by T.
Protein change: p.Ala259=; no amino-acid change (alanine 259 retained).
Molecular consequence: synonymous variant. On other transcripts: non-coding transcript variant (2).
Genome position (GRCh38, 1-based): chr19:10,547,195, C>T. VCF-style: chr19-10547195-C-T. GRCh37 (hg19) VCF-style: chr19-10657871-C-T.
Other names: c.588C>T, p.Ala196= (NM_001281504.2).
Identifiers: ClinVar variation 784385 (VCV000784385.28), dbSNP rs138606386, ClinGen allele CA9196208.
Genomic context (GRCh38, chr19:10,547,195, plus strand): 5'-TCACGGGAGTTGCTGGGTACCCGCAGGCACTCAGGCCTTCCCTCCTGCCCCCAGGAAAGC[C>T]GTGGAGAGCTGCTCCGACGTCACCCGCCTGGTGGTGTACGTTTCTCAGGACTGCACAGGT-3'
Protein context (NP_116274.3, residues 249-269): PSLVAHILRK[Ala259=]VESCSDVTRL